The following is an entry in ClinVar:

ClinVar aggregate classification (germline): Uncertain significance. Review status: criteria provided, multiple submitters, no conflicts (2 of 4 stars). 4 submissions from 4 submitters: Uncertain significance (3). 1 of the submissions does not count toward it. Last evaluated 2022-05-28.

Conditions:
Walker-Warburg congenital muscular dystrophy. Also called: Muscular dystrophy-dystroglycanopathy, type A; Walker-Warburg syndrome. Identifiers: Orphanet 899, MedGen C0265221, MONDO:0000171.
Cardiovascular phenotype. Identifiers: MedGen CN230736.

Allele frequency attached by ClinVar (database versions not stated): gnomAD exomes below 0.00001 and 0.00001; gnomAD 0.00001; TOPMed 0.00001.
gnomAD v4.1: 10 of 1,607,426 alleles (0.00062%); highest among the groups gnomAD compares: Admixed American, 0.0017%; no homozygotes.

Submissions (4):

Labcorp Genetics (formerly Invitae), Labcorp
Classification: Uncertain significance for Walker-Warburg congenital muscular dystrophy. Last evaluated: 2022-05-28. Review status: criteria provided, single submitter. Criteria: Invitae Variant Classification Sherloc (09022015). Collection method: clinical testing. Allele origin: germline.
Comment: This sequence change replaces serine, which is neutral and polar, with glycine, which is neutral and non-polar, at codon 52 of the FKTN protein (p.Ser52Gly). This variant is present in population databases (no rsID available, gnomAD 0.003%). This variant has not been reported in the literature in individuals affected with FKTN-related conditions. ClinVar contains an entry for this variant (Variation ID: 423489). Algorithms developed to predict the effect of missense changes on protein structure and function output the following: SIFT: "Tolerated"; PolyPhen-2: "Benign"; Align-GVGD: "Class C0". The glycine amino acid residue is found in multiple mammalian species, which suggests that this missense change does not adversely affect protein function. In summary, the available evidence is currently insufficient to determine the role of this variant in disease. Therefore, it has been classified as a Variant of Uncertain Significance.

Ambry Genetics
Classification: Uncertain significance for Cardiovascular phenotype. Last evaluated: 2022-01-11. Review status: criteria provided, single submitter. Criteria: Ambry Variant Classification Scheme 2023. Collection method: clinical testing. Allele origin: germline.
Comment: The p.S52G variant (also known as c.154A>G), located in coding exon 2 of the FKTN gene, results from an A to G substitution at nucleotide position 154. The serine at codon 52 is replaced by glycine, an amino acid with similar properties. This amino acid position is conserved. In addition, this alteration is predicted to be tolerated by in silico analysis. Since supporting evidence is limited at this time, the clinical significance of this alteration remains unclear.

GeneDx
Classification: Uncertain significance. Last evaluated: 2017-11-21. Review status: criteria provided, single submitter. Criteria: GeneDx Variant Classification (06012015). Collection method: clinical testing. Allele origin: germline. Affected: yes.
Comment: The S52G variant has not been published as a pathogenic variant, nor has it been reported as a benign variant to our knowledge. The S52G variant is not observed at a significant frequency in large population cohorts (Lek et al., 2016). The S52G variant is a non-conservative amino acid substitution, which is likely to impact secondary protein structure as these residues differ in polarity, charge, size and/or other properties. However, in-silico analyses, including protein predictors and evolutionary conservation, support that this variant does not alter protein structure/function. Therefore, based on the currently available information, it is unclear whether this variant is a pathogenic variant or a rare benign variant.

Natera, Inc.
Classification: Uncertain significance for Walker-Warburg congenital muscular dystrophy. Last evaluated: 2020-08-10. Review status: no assertion criteria provided. Collection method: clinical testing. Allele origin: germline. Not counted in ClinVar's aggregate classification.

NM_001079802.2(FKTN):c.154A>G (p.Ser52Gly)

Gene: FKTN (fukutin; plus strand). Cytogenetic location: 9q31.2.
Variant type: single nucleotide variant.
Coding change: c.154A>G on transcript NM_001079802.2 (MANE Select); coding-DNA position 154, A replaced by G.
Protein change: p.Ser52Gly; replaces serine 52 with glycine.
Molecular consequence: missense variant. On other transcripts: 5 prime UTR variant (5), non-coding transcript variant (2).
Genome position (GRCh38, 1-based): chr9:105,596,646, A>G. VCF-style: chr9-105596646-A-G. GRCh37 (hg19) VCF-style: chr9-108358927-A-G.
Other names: c.154A>G, p.Ser52Gly (NM_001198963.2, NM_001351496.2, NM_001351498.2 and 1 more transcripts); c.-14A>G (NM_001351497.2); c.-361A>G (NM_001351499.2, NM_001351500.2, NM_001351501.2 and 1 more transcripts); short protein forms S52G.
Identifiers: ClinVar variation 423489 (VCV000423489.8), dbSNP rs1064796459, ClinGen allele CA16618726.